The following is an entry in ClinVar:

NM_147127.5(EVC2):c.3194del (p.Asp1065fs)

Gene: EVC2 (EvC ciliary complex subunit 2; minus strand). Cytogenetic location: 4p16.2.
Variant type: Deletion.
Coding change: c.3194del on transcript NM_147127.5 (MANE Select); coding-DNA position 3194, one base deleted (A; older notation c.3194delA).
Protein change: p.Asp1065fs; shifts the reading frame from aspartic acid 1065.
Molecular consequence: frameshift variant.
Genome position (GRCh38, 1-based): chr4:5,576,318, T deleted on the plus strand (A on the coding strand, the reverse complement: EVC2 is on the minus strand). VCF-style (leftmost placement, unchanged base first): chr4-5576317-AT-A. GRCh37 (hg19) VCF-style: chr4-5578044-AT-A.
Other names: c.2954del, p.Asp985fs (NM_001166136.2); short protein forms D1065fs, D985fs.
Identifiers: ClinVar variation 1416340 (VCV001416340.7), dbSNP rs2108778725, ClinGen allele CA2573138256.

ClinVar aggregate classification (germline): Pathogenic (1 of 4 stars; one submission).

Conditions:
Ellis-van Creveld syndrome (EVC). Also called: MESOECTODERMAL DYSPLASIA; Chondroectodermal dysplasia; EVC-Related Ellis-van Creveld Syndrome; EVC2-Related Ellis-van Creveld Syndrome. Identifiers: Orphanet 289, MedGen C0013903, MONDO:0009162, OMIM 225500.
Curry-Hall syndrome (WAD). Also called: WEYERS ACRODENTAL DYSOSTOSIS. Identifiers: Orphanet 952, MedGen C0457013, MONDO:0008673, OMIM 193530.

Allele frequency attached by ClinVar (database versions not stated): gnomAD exomes 0.00001.

Submission:

Labcorp Genetics (formerly Invitae), Labcorp
Classification: Pathogenic for Curry-Hall syndrome; Ellis-van Creveld syndrome. Last evaluated: 2025-10-19. Review status: criteria provided, single submitter. Criteria: Invitae Variant Classification Sherloc (09022015). Collection method: clinical testing. Allele origin: germline.
Comment: This sequence change creates a premature translational stop signal (p.Asp1065Valfs*14) in the EVC2 gene. It is expected to result in an absent or disrupted protein product. Loss-of-function variants in EVC2 are known to be pathogenic (PMID: 17024374, 19810119, 19876929). This variant is not present in population databases (gnomAD no frequency). This variant has not been reported in the literature in individuals affected with EVC2-related conditions. ClinVar contains an entry for this variant (Variation ID: 1416340). Algorithms developed to predict the effect of sequence changes on RNA splicing suggest that this variant may disrupt the consensus splice site. For these reasons, this variant has been classified as Pathogenic.

Literature cited by the submitters: PubMed 17024374; PubMed 19810119; PubMed 19876929.